The following is an entry in ClinVar:

ClinVar aggregate classification (germline): Uncertain significance (1 of 4 stars; one submission).

Conditions:
Cardiovascular phenotype. Identifiers: MedGen CN230736.

Submission:

Ambry Genetics
Classification: Uncertain significance for Cardiovascular phenotype. Last evaluated: 2024-11-17. Review status: criteria provided, single submitter. Criteria: Ambry Variant Classification Scheme 2023. Collection method: clinical testing. Allele origin: germline.
Comment: The p.Y530C variant (also known as c.1589A>G), located in coding exon 13 of the DSP gene, results from an A to G substitution at nucleotide position 1589. The tyrosine at codon 530 is replaced by cysteine, an amino acid with highly dissimilar properties. This amino acid position is conserved. In addition, this alteration is predicted to be deleterious by in silico analysis. Based on the available evidence, the clinical significance of this variant remains unclear.

NM_004415.4(DSP):c.1589A>G (p.Tyr530Cys)

Gene: DSP (desmoplakin; plus strand). Cytogenetic location: 6p24.3.
Variant type: single nucleotide variant.
Coding change: c.1589A>G on transcript NM_004415.4 (MANE Select); coding-DNA position 1589, A replaced by G.
Protein change: p.Tyr530Cys; replaces tyrosine 530 with cysteine.
Molecular consequence: missense variant.
Genome position (GRCh38, 1-based): chr6:7,570,451, A>G. VCF-style: chr6-7570451-A-G. GRCh37 (hg19) VCF-style: chr6-7570684-A-G.
Other names: c.1589A>G, p.Tyr530Cys (NM_001008844.3, NM_001319034.2); short protein forms Y530C.
Identifiers: ClinVar variation 3505532 (VCV003505532.1).
Genomic context (GRCh38, chr6:7,570,451, plus strand): 5'-AGTGTGAAAGCCTGGCTCTAGCATGTTTTCCCTTTGTGCCTCTTAGGATTGAGCAGTACT[A>G]CGAAGCCATCTTGGCTCTGTGGAACCAGCTCTACATCAACATGAAGAGCCTGGTGTCCTG-3'
Protein context (NP_004406.2, residues 520-540): VDLSCKIEQY[Tyr530Cys]EAILALWNQL